The following is an entry in ClinVar:

ClinVar aggregate classification (germline): Uncertain significance (1 of 4 stars; one submission).

Conditions:
KAT6B-related disorder. Also called: KAT6B-related disorders; KAT6B-related condition.

gnomAD v4.1: 2 of 1,614,228 alleles (0.00012%); highest among the groups gnomAD compares: South Asian, 0.0022%; no homozygotes.

Submission:

PreventionGenetics, part of Exact Sciences
Classification: Uncertain significance for KAT6B-related condition. Last evaluated: 2023-07-20. Review status: criteria provided, single submitter. Criteria: ACMG Guidelines, 2015. Collection method: clinical testing. Allele origin: germline.
Comment: The KAT6B c.368G>T variant is predicted to result in the amino acid substitution p.Gly123Val. To our knowledge, this variant has not been reported in the literature or in a large population database, indicating this variant is rare. At this time, the clinical significance of this variant is uncertain due to the absence of conclusive functional and genetic evidence.

NM_012330.4(KAT6B):c.368G>T (p.Gly123Val)

Gene: KAT6B (lysine acetyltransferase 6B; plus strand). Cytogenetic location: 10q22.2.
Variant type: single nucleotide variant.
Coding change: c.368G>T on transcript NM_012330.4 (MANE Select); coding-DNA position 368, G replaced by T.
Protein change: p.Gly123Val; replaces glycine 123 with valine.
Molecular consequence: missense variant. On other transcripts: 5 prime UTR variant (2).
Genome position (GRCh38, 1-based): chr10:74,843,225, G>T. VCF-style: chr10-74843225-G-T. GRCh37 (hg19) VCF-style: chr10-76602983-G-T.
Other names: c.368G>T, p.Gly123Val (NM_001256468.2, NM_001256469.2, NM_001370132.1 and 10 more transcripts); c.-171G>T (NM_001370134.1, NM_001370135.1); short protein forms G123V.
Identifiers: ClinVar variation 2631645 (VCV002631645.1), dbSNP rs2548335222, ClinGen allele CA377399885.